The following is an entry in ClinVar:

ClinVar aggregate classification (germline): Uncertain significance (1 of 4 stars; one submission).

Allele frequency attached by ClinVar (database versions not stated): gnomAD 0.00001; ExAC 0.00002; TOPMed 0.00004.
gnomAD v4.1: 14 of 1,598,098 alleles (0.00088%); highest among the groups gnomAD compares: Admixed American, 0.016%; no homozygotes.

Submission:

Labcorp Genetics (formerly Invitae), Labcorp
Classification: Uncertain significance. Last evaluated: 2024-11-27. Review status: criteria provided, single submitter. Criteria: Invitae Variant Classification Sherloc (09022015). Collection method: clinical testing. Allele origin: germline.
Comment: This sequence change affects codon 52 of the DIP2C mRNA. It is a 'silent' change, meaning that it does not change the encoded amino acid sequence of the DIP2C protein. It affects a nucleotide within the consensus splice site. This variant is present in population databases (rs753310455, gnomAD 0.02%). This variant has not been reported in the literature in individuals affected with DIP2C-related conditions. ClinVar contains an entry for this variant (Variation ID: 2077020). Algorithms developed to predict the effect of sequence changes on RNA splicing suggest that this variant is not likely to affect RNA splicing. In summary, the available evidence is currently insufficient to determine the role of this variant in disease. Therefore, it has been classified as a Variant of Uncertain Significance.

NM_014974.3(DIP2C):c.156G>A (p.Pro52=)

Gene: DIP2C (DIP2 acetate--CoA ligase C (putative); minus strand). Cytogenetic location: 10p15.3.
Variant type: single nucleotide variant.
Coding change: c.156G>A on transcript NM_014974.3 (MANE Select); coding-DNA position 156, G replaced by A.
Protein change: p.Pro52=; no amino-acid change (proline 52 retained).
Molecular consequence: synonymous variant.
Genome position (GRCh38, 1-based): chr10:486,460, C>T on the plus strand (G>A on the coding strand, the complement: DIP2C is on the minus strand). VCF-style: chr10-486460-C-T. GRCh37 (hg19) VCF-style: chr10-532400-C-T.
Identifiers: ClinVar variation 2077020 (VCV002077020.4), dbSNP rs753310455, ClinGen allele CA5381550.